The following is an entry in ClinVar:

ClinVar aggregate classification (germline): Uncertain significance (1 of 4 stars; one submission).

Submission:

GeneDx
Classification: Uncertain significance. Last evaluated: 2026-04-01. Review status: criteria provided, single submitter. Criteria: GeneDx Variant Classification Process June 2021. Collection method: clinical testing. Allele origin: germline.
Comment: Not observed at significant frequency in large population cohorts (gnomAD); In-frame deletion of one amino acid in a non-repeat region; In silico analysis supports a deleterious effect on protein structure/function; Has not been previously published as pathogenic or benign to our knowledge

NM_001292063.2(OTOG):c.619_621del (p.Glu207del)

Gene: OTOG (otogelin; plus strand). Cytogenetic location: 11p15.1.
Variant type: Deletion.
Coding change: c.619_621del on transcript NM_001292063.2 (MANE Select); coding-DNA positions 619 to 621, 3 bases deleted (GAG; older notation c.619_621delGAG).
Protein change: p.Glu207del; deletes glutamic acid 207.
Molecular consequence: inframe deletion.
Genome position (GRCh38, 1-based): chr11:17,555,857-17,555,859, GAG deleted; deleting any 3 consecutive bases within chr11:17,555,855-17,555,859 gives the same sequence; the c. name uses the placement nearest the transcript's 3' end. VCF-style (leftmost placement, unchanged base first): chr11-17555854-CAGG-C. GRCh37 (hg19) VCF-style: chr11-17577401-CAGG-C.
Other names: c.655_657del, p.Glu219del (NM_001277269.2); short protein forms E207del, E219del.
Identifiers: ClinVar variation 5017198 (VCV005017198.1).
Genomic context (GRCh38, chr11:17,555,854, plus strand): 5'-CAGTGTGGCTCTTCACCCTACACCTGCTCCAGGGCTGTCAGCCTCTTCTTTGTGGGTGAG[CAGG>C]AGATCCATCTGGCCAAGGAGGTCACCCATGGAGGCATGAGGTAACTCTAACACCTTCCAC-3'